The following is an entry in ClinVar:

ClinVar aggregate classification (germline): Pathogenic (1 of 4 stars; one submission).

gnomAD v4.1: 1 of 1,613,954 alleles (0.000062%); highest among the groups gnomAD compares: South Asian, 0.0011%; no homozygotes.

Submission:

Labcorp Genetics (formerly Invitae), Labcorp
Classification: Pathogenic. Last evaluated: 2025-03-28. Review status: criteria provided, single submitter. Criteria: Invitae Variant Classification Sherloc (09022015). Collection method: clinical testing. Allele origin: germline.
Comment: This sequence change affects a donor splice site in intron 66 of the USH2A gene. It is expected to disrupt RNA splicing. Variants that disrupt the donor or acceptor splice site typically lead to a loss of protein function (PMID: 16199547), and loss-of-function variants in USH2A are known to be pathogenic (PMID: 10729113, 10909849, 20507924, 25649381). This variant is not present in population databases (gnomAD no frequency). Disruption of this splice site has been observed in individuals with retinal dystrophy (PMID: 34906470; internal data). Algorithms developed to predict the effect of sequence changes on RNA splicing suggest that this variant may disrupt the consensus splice site. For these reasons, this variant has been classified as Pathogenic.

Literature cited by the submitters: PubMed 16199547; PubMed 10729113; PubMed 10909849; PubMed 20507924; PubMed 25649381; PubMed 34906470.

NM_206933.4(USH2A):c.14582+1G>A

Gene: USH2A (usherin; minus strand). Cytogenetic location: 1q41.
Variant type: single nucleotide variant.
Coding change: c.14582+1G>A on transcript NM_206933.4 (MANE Select); the canonical splice donor site of the intron after coding-DNA position 14582, G replaced by A.
Molecular consequence: splice donor variant.
Genome position (GRCh38, 1-based): chr1:215,648,527, C>T on the plus strand (G>A on the coding strand, the complement: USH2A is on the minus strand). VCF-style: chr1-215648527-C-T. GRCh37 (hg19) VCF-style: chr1-215821869-C-T.
Identifiers: ClinVar variation 4715691 (VCV004715691.1).